The following is an entry in ClinVar:

ClinVar aggregate classification (germline): Uncertain significance (1 of 4 stars; one submission).

Submission:

Labcorp Genetics (formerly Invitae), Labcorp
Classification: Uncertain significance. Last evaluated: 2024-05-12. Review status: criteria provided, single submitter. Criteria: Invitae Variant Classification Sherloc (09022015). Collection method: clinical testing. Allele origin: germline.
Comment: This sequence change replaces isoleucine, which is neutral and non-polar, with phenylalanine, which is neutral and non-polar, at codon 133 of the DUOX2 protein (p.Ile133Phe). This variant is not present in population databases (gnomAD no frequency). This missense change has been observed in individual(s) with congenital hypothyroidism (PMID: 32425884). Advanced modeling of protein sequence and biophysical properties (such as structural, functional, and spatial information, amino acid conservation, physicochemical variation, residue mobility, and thermodynamic stability) performed at Invitae indicates that this missense variant is expected to disrupt DUOX2 protein function with a positive predictive value of 80%. In summary, the available evidence is currently insufficient to determine the role of this variant in disease. Therefore, it has been classified as a Variant of Uncertain Significance.

Literature cited by the submitters: PubMed 32425884.

NM_001363711.2(DUOX2):c.397A>T (p.Ile133Phe)

Gene: DUOX2 (dual oxidase 2; minus strand). Cytogenetic location: 15q21.1.
Variant type: single nucleotide variant.
Coding change: c.397A>T on transcript NM_001363711.2 (MANE Select); coding-DNA position 397, A replaced by T.
Protein change: p.Ile133Phe; replaces isoleucine 133 with phenylalanine.
Molecular consequence: missense variant.
Genome position (GRCh38, 1-based): chr15:45,111,884, T>A on the plus strand (A>T on the coding strand, the complement: DUOX2 is on the minus strand). VCF-style: chr15-45111884-T-A. GRCh37 (hg19) VCF-style: chr15-45404082-T-A.
Other names: c.397A>T, p.Ile133Phe (NM_014080.5); short protein forms I133F.
Identifiers: ClinVar variation 3613693 (VCV003613693.2).
Genomic context (GRCh38, chr15:45,111,884, plus strand): 5'-GGAAGGGCAGCACCACGTCCCCGCGCTGGTCGGGGTCGAACACGGGGTCTCCAGGTGGGA[T>A]GCGGATGTTGAGGAACTCGGCGGGGCAACCGGGCGTTTCCACGCTCACCACGTCGGAAAG-3'
Protein context (NP_001350640.1, residues 123-143): GCPAEFLNIR[Ile133Phe]PPGDPVFDPD